The following is an entry in ClinVar:

ClinVar aggregate classification (germline): Likely pathogenic (1 of 4 stars; one submission).

Conditions:
Intellectual developmental disorder, autosomal dominant 65. Also called: MENTAL RETARDATION, AUTOSOMAL DOMINANT 65. Identifiers: MedGen C5543371, MONDO:0023657, OMIM 619320.

Submission:

Institute of Human Genetics, University of Leipzig Medical Center
Classification: Likely pathogenic for Intellectual developmental disorder, autosomal dominant 65. Last evaluated: 2024-03-27. Review status: criteria provided, single submitter. Criteria: ACMG Guidelines, 2015. Collection method: clinical testing. Allele origin: unknown. Inheritance: Autosomal dominant inheritance. Affected: yes.
Comment: Criteria applied: PVS1,PM2_SUP

NM_015015.3(KDM4B):c.1217del (p.Gly406fs)

Gene: KDM4B (lysine demethylase 4B; plus strand). Cytogenetic location: 19p13.3.
Variant type: Deletion.
Coding change: c.1217del on transcript NM_015015.3 (MANE Select); coding-DNA position 1217, one base deleted (G; older notation c.1217delG).
Protein change: p.Gly406fs; shifts the reading frame from glycine 406.
Molecular consequence: frameshift variant.
Genome position (GRCh38, 1-based): chr19:5,119,754, G deleted; the last of 5 consecutive G bases (chr19:5,119,750-5,119,754); deleting any one gives the same sequence. VCF-style (leftmost placement, unchanged base first): chr19-5119749-TG-T. GRCh37 (hg19) VCF-style: chr19-5119760-TG-T.
Other names: c.1319del, p.Gly440fs (NM_001411148.1); short protein forms G406fs, G440fs.
Identifiers: ClinVar variation 3068476 (VCV003068476.2), dbSNP rs2512571628, ClinGen allele CA2586513810.